The following is an entry in ClinVar:

ClinVar aggregate classification (germline): Uncertain significance. Review status: criteria provided, multiple submitters, no conflicts (2 of 4 stars). 3 submissions from 3 submitters: Uncertain significance (3). Last evaluated 2025-11-12.

Conditions:
PLXNA2-related disorder. Also called: PLXNA2-related condition.

Allele frequency attached by ClinVar (database versions not stated): gnomAD exomes below 0.00001; gnomAD 0.00001; TOPMed 0.00002.
gnomAD v4.1: 7 of 1,613,532 alleles (0.00043%); highest among the groups gnomAD compares: African/African-American, 0.0013%; no homozygotes.

Submissions (3):

PreventionGenetics, part of Exact Sciences
Classification: Uncertain significance for PLXNA2-related condition. Last evaluated: 2025-11-12. Review status: criteria provided, single submitter. Criteria: ACMG Guidelines, 2015. Collection method: clinical testing. Allele origin: germline.
Comment: The PLXNA2 c.4283G>A variant is predicted to result in the amino acid substitution p.Arg1428Gln. To our knowledge, this variant has not been reported in the literature or in a large population database (gnomAD), indicating this variant is rare. At this time, the clinical significance of this variant is uncertain due to the absence of conclusive functional and genetic evidence.

Labcorp Genetics (formerly Invitae), Labcorp
Classification: Uncertain significance. Last evaluated: 2022-08-19. Review status: criteria provided, single submitter. Criteria: Invitae Variant Classification Sherloc (09022015). Collection method: clinical testing. Allele origin: germline.
Comment: This sequence change replaces arginine, which is basic and polar, with glutamine, which is neutral and polar, at codon 1428 of the PLXNA2 protein (p.Arg1428Gln). This variant is not present in population databases (gnomAD no frequency). This variant has not been reported in the literature in individuals affected with PLXNA2-related conditions. ClinVar contains an entry for this variant (Variation ID: 1511775). Algorithms developed to predict the effect of missense changes on protein structure and function (SIFT, PolyPhen-2, Align-GVGD) all suggest that this variant is likely to be disruptive. Algorithms developed to predict the effect of sequence changes on RNA splicing suggest that this variant may create or strengthen a splice site. In summary, the available evidence is currently insufficient to determine the role of this variant in disease. Therefore, it has been classified as a Variant of Uncertain Significance.

Ambry Genetics
Classification: Uncertain significance. Last evaluated: 2021-08-12. Review status: criteria provided, single submitter. Criteria: Ambry Variant Classification Scheme 2023. Collection method: clinical testing. Allele origin: germline.

NM_025179.4(PLXNA2):c.4283G>A (p.Arg1428Gln)

Gene: PLXNA2 (plexin A2; minus strand). Cytogenetic location: 1q32.2.
Variant type: single nucleotide variant.
Coding change: c.4283G>A on transcript NM_025179.4 (MANE Select); coding-DNA position 4283, G replaced by A.
Protein change: p.Arg1428Gln; replaces arginine 1428 with glutamine.
Molecular consequence: missense variant.
Genome position (GRCh38, 1-based): chr1:208,042,101, C>T on the plus strand (G>A on the coding strand, the complement: PLXNA2 is on the minus strand). VCF-style: chr1-208042101-C-T. GRCh37 (hg19) VCF-style: chr1-208215446-C-T.
Other names: c.4283G>A (NM_025179.3); short protein forms R1428Q.
Identifiers: ClinVar variation 1511775 (VCV001511775.10), dbSNP rs1215090422, ClinGen allele CA344562386.